The following is an entry in ClinVar:

ClinVar aggregate classification (germline): Uncertain significance (1 of 4 stars; one submission).

Conditions:
Inborn genetic diseases. Identifiers: MedGen C0950123, MeSH D030342.

Submission:

Ambry Genetics
Classification: Uncertain significance for Inborn genetic diseases. Last evaluated: 2025-01-03. Review status: criteria provided, single submitter. Criteria: Ambry Variant Classification Scheme 2023. Collection method: clinical testing. Allele origin: germline.
Comment: The p.P239H variant (also known as c.716C>A), located in coding exon 5 of the ETV6 gene, results from a C to A substitution at nucleotide position 716. The proline at codon 239 is replaced by histidine, an amino acid with similar properties. This amino acid position is conserved. In addition, the in silico prediction for this alteration is inconclusive. Based on the available evidence, the clinical significance of this variant remains unclear.

NM_001987.5(ETV6):c.716C>A (p.Pro239His)

Gene: ETV6 (ETS variant transcription factor 6; plus strand). Cytogenetic location: 12p13.2.
Variant type: single nucleotide variant.
Coding change: c.716C>A on transcript NM_001987.5 (MANE Select); coding-DNA position 716, C replaced by A.
Protein change: p.Pro239His; replaces proline 239 with histidine.
Molecular consequence: missense variant.
Genome position (GRCh38, 1-based): chr12:11,869,676, C>A. VCF-style: chr12-11869676-C-A. GRCh37 (hg19) VCF-style: chr12-12022610-C-A.
Other names: c.713C>A, p.Pro238His (NM_001413913.1); c.689C>A, p.Pro230His (NM_001413914.1); c.452C>A, p.Pro151His (NM_001413915.1); c.716C>A, p.Pro239His (NM_001413916.1, NM_001413917.1); short protein forms P151H, P230H, P238H, P239H.
Identifiers: ClinVar variation 3846497 (VCV003846497.1).